The following is an entry in ClinVar:

ClinVar aggregate classification (germline): Uncertain significance (1 of 4 stars; one submission).

gnomAD v4.1: 6 of 1,614,020 alleles (0.00037%); highest among the groups gnomAD compares: Non-Finnish European, 0.00042%; no homozygotes.

Submission:

CeGaT Center for Human Genetics Tuebingen
Classification: Uncertain significance. Last evaluated: 2025-01-01. Review status: criteria provided, single submitter. Criteria: CeGaT Center For Human Genetics Tuebingen Variant Classification Criteria Version 2. Collection method: clinical testing. Allele origin: germline. Affected: yes. Observed: 1 variant allele.
Comment: FAT4: PM2

NM_001291303.3(FAT4):c.10142G>A (p.Gly3381Asp)

Gene: FAT4 (FAT atypical cadherin 4; plus strand). Cytogenetic location: 4q28.1.
Variant type: single nucleotide variant.
Coding change: c.10142G>A on transcript NM_001291303.3 (MANE Select); coding-DNA position 10142, G replaced by A.
Protein change: p.Gly3381Asp; replaces glycine 3381 with aspartic acid.
Molecular consequence: missense variant.
Genome position (GRCh38, 1-based): chr4:125,451,152, G>A. VCF-style: chr4-125451152-G-A. GRCh37 (hg19) VCF-style: chr4-126372307-G-A.
Other names: c.10142G>A, p.Gly3381Asp (NM_001291285.3); c.10136G>A, p.Gly3379Asp (NM_024582.6); short protein forms G3379D, G3381D.
Identifiers: ClinVar variation 3771588 (VCV003771588.13).